The following is an entry in ClinVar:

NM_000443.4(ABCB4):c.3316del (p.Gln1106fs)

Gene: ABCB4 (ATP binding cassette subfamily B member 4; minus strand). Cytogenetic location: 7q21.12.
Variant type: Deletion.
Coding change: c.3316del on transcript NM_000443.4 (MANE Select); coding-DNA position 3316, one base deleted (C; older notation c.3316delC).
Protein change: p.Gln1106fs; shifts the reading frame from glutamine 1106.
Molecular consequence: frameshift variant.
Genome position (GRCh38, 1-based): chr7:87,406,458, G deleted on the plus strand (C on the coding strand, the reverse complement: ABCB4 is on the minus strand); the first of 2 consecutive G bases (chr7:87,406,458-87,406,459); deleting either gives the same sequence. VCF-style (leftmost placement, unchanged base first): chr7-87406457-TG-T. GRCh37 (hg19) VCF-style: chr7-87035773-TG-T.
Other names: c.3337del, p.Gln1113fs (NM_018849.3); c.3175del, p.Gln1059fs (NM_018850.3); short protein forms Q1059fs, Q1106fs, Q1113fs.
Identifiers: ClinVar variation 4846575 (VCV004846575.1).

ClinVar aggregate classification (germline): Pathogenic (1 of 4 stars; one submission).

Conditions:
Low phospholipid associated cholelithiasis (GBD1). Also called: Gallbladder disease 1; Gallstone cholecystitis. Identifiers: Orphanet 69663, MedGen C2609268, MONDO:0010939, OMIM 600803.

Submission:

Genomenon, Inc
Classification: Pathogenic for Low phospholipid associated cholelithiasis. Last evaluated: 2026-04-14. Review status: criteria provided, single submitter. Criteria: Genomenon Sequence Variant Interpretation Standards - Updated. Collection method: curation. Allele origin: germline. Affected: yes.
Comment: ABCB4 p.Gln1106SerfsTer40 (c.3316del) is a frameshift variant that results in the production of a truncated protein which is predicted to undergo nonsense-mediated mRNA decay. This variant has been observed in at least one proband with an ABCB4-related disorder (PMID:31538484). It is absent or not present at a significant frequency in gnomAD. In conclusion, we classify ABCB4 p.Gln1106SerfsTer40 (c.3316del) as a pathogenic variant.

Literature cited by the submitters: PubMed 31538484.